The following is an entry in ClinVar:

NM_002108.4(HAL):c.777A>G (p.Pro259=)

Gene: HAL (histidine ammonia-lyase; minus strand). Cytogenetic location: 12q23.1.
Variant type: single nucleotide variant.
Coding change: c.777A>G on transcript NM_002108.4 (MANE Select); coding-DNA position 777, A replaced by G.
Protein change: p.Pro259=; no amino-acid change (proline 259 retained).
Molecular consequence: synonymous variant.
Genome position (GRCh38, 1-based): chr12:95,990,471, T>C on the plus strand (A>G on the coding strand, the complement: HAL is on the minus strand). VCF-style: chr12-95990471-T-C. GRCh37 (hg19) VCF-style: chr12-96384249-T-C.
Other names: c.153A>G, p.Pro51= (NM_001258333.2); c.777A>G, p.Pro259= (NM_001258334.2).
Identifiers: ClinVar variation 310716 (VCV000310716.8), dbSNP rs36014288, ClinGen allele CA6727851.
Genomic context (GRCh38, chr12:95,990,471, plus strand): 5'-GCCACTCTTCGGAGACCACATCTTCCCTTCTCCAACTAGCCCAAGAGCAAGATGAGAGAG[T>C]GGGGCAAGGTCTCCACTGGCACCAACGGTTCCTTTCTCTGGGACATAGGGCAGGCAGGAG-3'
Protein context (NP_002099.1, residues 249-269): GTVGASGDLA[Pro259=]LSHLALGLVG

ClinVar aggregate classification (germline): Benign. Review status: criteria provided, multiple submitters, no conflicts (2 of 4 stars). 3 submissions from 3 submitters: Benign (2). 1 of the submissions does not count toward it. Last evaluated 2018-01-12.

Conditions:
HAL-related disorder. Also called: HAL-related condition.
Histidinemia. Also called: Hyperhistidinemia; Deficiency of histidine ammonia-lyase; HAL DEFICIENCY; HIS DEFICIENCY; HISTIDASE DEFICIENCY; HISTIDINE AMMONIA-LYASE DEFICIENCY. Identifiers: Orphanet 2157, MedGen C0220992, MONDO:0009345, OMIM 235800, HP:0010906.

Allele frequency attached by ClinVar (database versions not stated): ESP Exome Variant Server 0.11441; TOPMed 0.11940; gnomAD 0.14272; 1000 Genomes Project 30x 0.18270; 1000 Genomes Project 0.19269.
gnomAD v4.1: 210,987 of 1,610,892 alleles (13%); highest among the groups gnomAD compares: East Asian, 34%; 15,954 homozygotes.

Submissions (3):

Illumina Laboratory Services, Illumina
Classification: Benign for Histidinemia. Last evaluated: 2018-01-12. Review status: criteria provided, single submitter. Criteria: ICSL Variant Classification Criteria 13 December 2019. Collection method: clinical testing. Allele origin: germline.
Comment: This variant was observed in the ICSL laboratory as part of a predisposition screen in an ostensibly healthy population. It had not been previously curated by ICSL or reported in the Human Gene Mutation Database (HGMD: prior to June 1st, 2018), and was therefore a candidate for classification through an automated scoring system. Utilizing variant allele frequency, disease prevalence and penetrance estimates, and inheritance mode, an automated score was calculated to assess if this variant is too frequent to cause the disease. Based on the score and internal cut-off values, a variant classified as benign is not then subjected to further curation. The score for this variant resulted in a classification of benign for this disease.

Breakthrough Genomics
Classification: Benign. Review status: criteria provided, single submitter. Criteria: ACMG Guidelines, 2015. Collection method: not provided. Allele origin: germline. Inheritance: Autosomal recessive inheritance. Affected: yes.

PreventionGenetics, part of Exact Sciences
Classification: Benign for HAL-related condition. Last evaluated: 2019-10-30. Review status: no assertion criteria provided. Collection method: clinical testing. Allele origin: germline. Not counted in ClinVar's aggregate classification.
Comment: This variant is classified as benign based on ACMG/AMP sequence variant interpretation guidelines (Richards et al. 2015 PMID: 25741868, with internal and published modifications).